The following is an entry in ClinVar:

ClinVar aggregate classification (germline): Benign/Likely benign. Review status: criteria provided, multiple submitters, no conflicts (2 of 4 stars). 2 submissions from 2 submitters: Benign (1); Likely benign (1). Last evaluated 2026-04-24.

Conditions:
Colorectal cancer, susceptibility to, 1. Also called: COLORECTAL ADENOMA AND CANCER, SUSCEPTIBILITY TO; COLORECTAL CANCER, SUSCEPTIBILITY TO, ON CHROMOSOME 9. Identifiers: MedGen C1837315, MONDO:0012132, OMIM 608812.

Allele frequency attached by ClinVar (database versions not stated): gnomAD exomes below 0.00001.
gnomAD v4.1: 1 of 1,614,216 alleles (0.000062%); highest among the groups gnomAD compares: Non-Finnish European, 0.000085%; no homozygotes.

Submissions (2):

Myriad Genetics, Inc.
Classification: Benign for Colorectal cancer, susceptibility to, 1. Last evaluated: 2026-04-24. Review status: criteria provided, single submitter. Criteria: Myriad Autosomal Dominant, Autosomal Recessive and X-Linked Classification Criteria (2023). Collection method: clinical testing. Allele origin: unknown.
Comment: This variant is considered benign. This variant is a silent/synonymous amino acid change and it is not expected to impact splicing.

Ambry Genetics
Classification: Likely benign. Last evaluated: 2023-02-28. Review status: criteria provided, single submitter. Criteria: Ambry Variant Classification Scheme 2023. Collection method: clinical testing. Allele origin: germline.

NM_024642.5(GALNT12):c.774T>C (p.Asp258=)

Gene: GALNT12 (polypeptide N-acetylgalactosaminyltransferase 12; plus strand). Cytogenetic location: 9q22.33.
Variant type: single nucleotide variant.
Coding change: c.774T>C on transcript NM_024642.5 (MANE Select); coding-DNA position 774, T replaced by C.
Protein change: p.Asp258=; no amino-acid change (aspartic acid 258 retained).
Molecular consequence: synonymous variant.
Genome position (GRCh38, 1-based): chr9:98,831,814, T>C. VCF-style: chr9-98831814-T-C. GRCh37 (hg19) VCF-style: chr9-101594096-T-C.
Identifiers: ClinVar variation 2451786 (VCV002451786.3), dbSNP rs1836003689, ClinGen allele CA466424820.